The following is an entry in ClinVar:

ClinVar aggregate classification (germline): Benign. Review status: criteria provided, multiple submitters, no conflicts (2 of 4 stars). 12 submissions from 12 submitters: Benign (9). 3 of the submissions do not count toward it. Last evaluated 2026-02-04.

Conditions:
Asphyxiating thoracic dystrophy 3. Also called: SHORT-RIB THORACIC DYSPLASIA 3 WITH OR WITHOUT POLYDACTYLY; POLYDACTYLY WITH NEONATAL CHONDRODYSTROPHY, TYPE I; SHORT-RIB THORACIC DYSPLASIA 3/6 WITH POLYDACTYLY, DIGENIC; Saldino-Noonan Syndrome; Short rib polydactyly syndrome 2B. Identifiers: Orphanet 474, Orphanet 93269, Orphanet 93270, Orphanet 93271, MedGen C0036069, MONDO:0013127, OMIM 613091.
Jeune thoracic dystrophy. Also called: Jeune syndrome; Infantile thoracic dystrophy; Thoracic pelvic phalangeal dystrophy; Jeune's syndrome; Chondroectodermal dysplasia-like syndrome; Short-rib thoracic dysplasia. Identifiers: Orphanet 474, MedGen C0265275, MONDO:0018770.

Allele frequency attached by ClinVar (database versions not stated): 1000 Genomes Project 30x 0.49172; 1000 Genomes Project 0.49501; TOPMed 0.54418; gnomAD 0.54510 and 0.54788; ESP Exome Variant Server 0.55842; gnomAD exomes 0.61893 and 0.64139; ExAC 0.65891.
gnomAD v4.1: 1,003,618 of 1,589,806 alleles (63%); highest among the groups gnomAD compares: Admixed American, 71%; 323,291 homozygotes.

Submissions (12):

Labcorp Genetics (formerly Invitae), Labcorp
Classification: Benign for Jeune thoracic dystrophy. Last evaluated: 2026-02-04. Review status: criteria provided, single submitter. Criteria: Invitae Variant Classification Sherloc (09022015). Collection method: clinical testing. Allele origin: germline.

Women's Health and Genetics/Laboratory Corporation of America, LabCorp
Classification: Benign. Last evaluated: 2026-01-08. Review status: criteria provided, single submitter. Criteria: LabCorp Variant Classification Summary - May 2015. Collection method: clinical testing. Allele origin: germline.

Blueprint Genetics
Classification: Benign. Last evaluated: 2024-11-27. Review status: criteria provided, single submitter. Criteria: ACMG Guidelines, 2015. Collection method: clinical testing. Allele origin: germline.

Mayo Clinic Laboratories, Mayo Clinic
Classification: Benign. Last evaluated: 2022-03-09. Review status: criteria provided, single submitter. Criteria: ACMG Guidelines, 2015. Collection method: clinical testing. Allele origin: germline. Observed: 66 variant alleles.

Genome-Nilou Lab
Classification: Benign for Asphyxiating thoracic dystrophy 3. Last evaluated: 2021-07-30. Review status: criteria provided, single submitter. Criteria: ACMG Guidelines, 2015. Collection method: clinical testing. Allele origin: germline. Affected: no.

Illumina Laboratory Services, Illumina
Classification: Benign for Asphyxiating thoracic dystrophy 3. Last evaluated: 2018-01-12. Review status: criteria provided, single submitter. Criteria: ICSL Variant Classification Criteria 13 December 2019. Collection method: clinical testing. Allele origin: germline.
Comment: This variant was observed in the ICSL laboratory as part of a predisposition screen in an ostensibly healthy population. It had not been previously curated by ICSL or reported in the Human Gene Mutation Database (HGMD: prior to June 1st, 2018), and was therefore a candidate for classification through an automated scoring system. Utilizing variant allele frequency, disease prevalence and penetrance estimates, and inheritance mode, an automated score was calculated to assess if this variant is too frequent to cause the disease. Based on the score and internal cut-off values, a variant classified as benign is not then subjected to further curation. The score for this variant resulted in a classification of benign for this disease.

Laboratory for Molecular Medicine, Mass General Brigham Personalized Medicine
Classification: Benign. Last evaluated: 2016-03-28. Review status: criteria provided, single submitter. Criteria: LMM Criteria. Collection method: clinical testing. Allele origin: germline.
Comment: Variant identified in a genome or exome case(s) and assessed due to predicted null impact of the variant or pathogenic assertions in the literature or databases. Disclaimer: This variant has not undergone full assessment. The following are preliminary notes: Frequency

GeneDx
Classification: Benign. Last evaluated: 2016-03-03. Review status: criteria provided, single submitter. Criteria: GeneDx Variant Classification (06012015). Collection method: clinical testing. Allele origin: germline. Affected: yes.
Comment: This variant is considered likely benign or benign based on one or more of the following criteria: it is a conservative change, it occurs at a poorly conserved position in the protein, it is predicted to be benign by multiple in silico algorithms, and/or has population frequency not consistent with disease.

Breakthrough Genomics
Classification: Benign. Review status: criteria provided, single submitter. Criteria: ACMG Guidelines, 2015. Collection method: not provided. Allele origin: germline. Inheritance: Autosomal recessive inheritance. Affected: yes.

Clinical Genetics DNA and cytogenetics Diagnostics Lab, Erasmus MC, Erasmus Medical Center
Classification: Benign. Review status: no assertion criteria provided. Collection method: clinical testing. Allele origin: germline. Affected: yes. Study: VKGL Data-share Consensus. Not counted in ClinVar's aggregate classification.

Diagnostic Laboratory, Department of Genetics, University Medical Center Groningen
Classification: Benign. Review status: no assertion criteria provided. Collection method: clinical testing. Allele origin: germline. Affected: yes. Study: VKGL Data-share Consensus. Not counted in ClinVar's aggregate classification.

Joint Genome Diagnostic Labs from Nijmegen and Maastricht, Radboudumc and MUMC+
Classification: Benign. Review status: no assertion criteria provided. Collection method: clinical testing. Allele origin: germline. Affected: yes. Study: VKGL Data-share Consensus. Not counted in ClinVar's aggregate classification.

NM_001377.3(DYNC2H1):c.12096T>C (p.Asp4032=)

Gene: DYNC2H1 (dynein cytoplasmic 2 heavy chain 1; plus strand). Cytogenetic location: 11q22.3.
Variant type: single nucleotide variant.
Coding change: c.12096T>C on transcript NM_001377.3 (MANE Select); coding-DNA position 12096, T replaced by C.
Protein change: p.Asp4032=; no amino-acid change (aspartic acid 4032 retained).
Molecular consequence: synonymous variant.
Genome position (GRCh38, 1-based): chr11:103,358,299, T>C. VCF-style: chr11-103358299-T-C. GRCh37 (hg19) VCF-style: chr11-103229027-T-C.
Other names: p.Asp4039=; c.12117T>C, p.Asp4039= (NM_001080463.2).
Identifiers: ClinVar variation 302117 (VCV000302117.32), dbSNP rs2566913, ClinGen allele CA6255457.
Genomic context (GRCh38, chr11:103,358,299, plus strand): 5'-TCAGGTTATTTCACAGTTGAGGATTTTGGGCAGATCCATAACAGCTGGTTCCAAATTTGA[T>C]AGAGAAATCTGGTCTAATGAACTTTCTCCTGTCCTCAATCTCTGGAAGAAACTAAACCAG-3'
Protein context (NP_001368.2, residues 4022-4042): GRSITAGSKF[Asp4032=]REIWSNELSP